The following is an entry in ClinVar:

ClinVar aggregate classification (germline): Likely pathogenic (1 of 4 stars; one submission).

Conditions:
Neurodevelopmental disorder with hypotonia, brain anomalies, distinctive facies, and absent language. Also called: ReNU SYNDROME; RNU4-2-Related Neurodevelopmental Disorder; RNU4-2–Related Autosomal Dominant Neurodevelopmental Disorder. Identifiers: Orphanet 686488, MedGen C5935628, MONDO:0971172, OMIM 620851.

Submission:

Centre for Population Genomics, CPG
Classification: Likely pathogenic for RNU4-2-Related Neurodevelopmental Disorder. Last evaluated: 2026-02-11. Review status: criteria provided, single submitter. Criteria: Ellingford et al. (Genome Med. 2022). Collection method: research. Allele origin: germline. Inheritance: Autosomal recessive inheritance. Affected: yes. Observed: 2 variant alleles, 2 compound heterozygotes.
Comment: PM2_supp,PS3_supp,PM1,PM5

NR_003137.3(RNU4-2):n.122T>G

Genes: RNU4-2 (RNA, U4 small nuclear 2; minus strand), SIRT4 (sirtuin 4; plus strand). Cytogenetic location: 12q24.23.
Variant type: single nucleotide variant.
Molecular consequence: non-coding transcript variant (on NR_003137.3).
Genome position: GRCh38 VCF-style: chr12-120291782-A-C. GRCh37 (hg19) VCF-style: chr12-120729585-A-C.
Identifiers: ClinVar variation 4795834 (VCV004795834.1).